The following is an entry in ClinVar:

NM_022089.4(ATP13A2):c.1594_1617dup (p.Lys532_Leu539dup)

Gene: ATP13A2 (ATPase cation transporting 13A2; minus strand). Cytogenetic location: 1p36.13.
Variant type: Duplication.
Coding change: c.1594_1617dup on transcript NM_022089.4 (MANE Select); coding-DNA positions 1594 to 1617, 24 bases duplicated (AAGGGGCAGGCATTCCTGCCCCTG).
Protein change: p.Lys532_Leu539dup.
Molecular consequence: inframe insertion.
Genome position (GRCh38, 1-based): chr1:16,993,761-16,993,784, CAGGGGCAGGAATGCCTGCCCCTT duplicated on the plus strand (AAGGGGCAGGCATTCCTGCCCCTG on the coding strand, the reverse complement: ATP13A2 is on the minus strand); duplicating any 24 consecutive bases within chr1:16,993,761-16,993,792 gives the same sequence; the c. name uses the placement nearest the transcript's 3' end. VCF-style (leftmost placement, unchanged base first): chr1-16993760-C-CCAGGGGCAGGAATGCCTGCCCCTT. GRCh37 (hg19) VCF-style: chr1-17320255-C-CCAGGGGCAGGAATGCCTGCCCCTT.
Other names: p.Lys532_Leu539dup; c.1579_1602dup, p.Lys527_Leu534dup (NM_001141973.3, NM_001141974.3).
Identifiers: ClinVar variation 1383197 (VCV001383197.9), dbSNP rs766184032, ClinGen allele CA637136.

ClinVar aggregate classification (germline): Uncertain significance. Review status: criteria provided, multiple submitters, no conflicts (2 of 4 stars). 3 submissions from 3 submitters: Uncertain significance (3). Last evaluated 2024-10-08.

Conditions:
Autosomal recessive spastic paraplegia type 78. Identifiers: Orphanet 513436, MedGen C5567893, MONDO:0014975, OMIM 617225.
Kufor-Rakeb syndrome (KRS). Also called: PARKINSON DISEASE 9, AUTOSOMAL RECESSIVE, JUVENILE-ONSET. Identifiers: Orphanet 306674, Orphanet 314632, MedGen C1847640, MONDO:0011706, OMIM 606693.

Submissions (3):

Blueprint Genetics
Classification: Uncertain significance. Last evaluated: 2024-10-08. Review status: criteria provided, single submitter. Criteria: ACMG Guidelines, 2015. Collection method: clinical testing. Allele origin: germline.

Mayo Clinic Laboratories, Mayo Clinic
Classification: Uncertain significance. Last evaluated: 2023-09-14. Review status: criteria provided, single submitter. Criteria: ACMG Guidelines, 2015. Collection method: clinical testing. Allele origin: germline. Observed: 1 variant allele.

Labcorp Genetics (formerly Invitae), Labcorp
Classification: Uncertain significance for Kufor-Rakeb syndrome; Autosomal recessive spastic paraplegia type 78. Last evaluated: 2021-06-14. Review status: criteria provided, single submitter. Criteria: Invitae Variant Classification Sherloc (09022015). Collection method: clinical testing. Allele origin: germline.
Comment: In summary, the available evidence is currently insufficient to determine the role of this variant in disease. Therefore, it has been classified as a Variant of Uncertain Significance. Algorithms developed to predict the effect of sequence changes on RNA splicing suggest that this variant may create or strengthen a splice site, but this prediction has not been confirmed by published transcriptional studies. This variant has not been reported in the literature in individuals with ATP13A2-related conditions. The frequency data for this variant in the population databases is considered unreliable, as metrics indicate poor data quality at this position in the ExAC database. This variant, c.1594_1617dup, results in the insertion of 8 amino acid(s) to the ATP13A2 protein (p.Lys532_Leu539dup), but otherwise preserves the integrity of the reading frame.